The following is an entry in ClinVar:

ClinVar aggregate classification (germline): Pathogenic (1 of 4 stars; one submission).

Conditions:
Hereditary cancer-predisposing syndrome. Also called: Neoplastic Syndromes, Hereditary; Tumor predisposition; Hereditary Cancer Syndrome; Hereditary neoplastic syndrome. Identifiers: Orphanet 140162, MedGen C0027672, MeSH D009386, MONDO:0015356.

Submission:

Ambry Genetics
Classification: Pathogenic for Hereditary cancer-predisposing syndrome. Last evaluated: 2026-05-28. Review status: criteria provided, single submitter. Criteria: Ambry Variant Classification Scheme 2023. Collection method: clinical testing. Allele origin: germline.
Comment: The c.3601delC pathogenic mutation, located in coding exon 20 of the DICER1 gene, results from a deletion of one nucleotide at nucleotide position 3601, causing a translational frameshift with a predicted alternate stop codon (p.Q1201Sfs*2). This variant is considered to be rare based on population cohorts in the Genome Aggregation Database (gnomAD). This alteration is expected to result in loss of function by premature protein truncation or nonsense-mediated mRNA decay. As such, this alteration is interpreted as a disease-causing mutation.

NM_177438.3(DICER1):c.3601del (p.Gln1201fs)

Gene: DICER1 (dicer 1, ribonuclease III; minus strand). Cytogenetic location: 14q32.13.
Variant type: Deletion.
Coding change: c.3601del on transcript NM_177438.3 (MANE Select); coding-DNA position 3601, one base deleted (C; older notation c.3601delC).
Protein change: p.Gln1201fs; shifts the reading frame from glutamine 1201.
Molecular consequence: frameshift variant. On other transcripts: non-coding transcript variant (6).
Genome position (GRCh38, 1-based): chr14:95,103,795, G deleted on the plus strand (C on the coding strand, the reverse complement: DICER1 is on the minus strand). VCF-style (leftmost placement, unchanged base first): chr14-95103794-TG-T. GRCh37 (hg19) VCF-style: chr14-95570131-TG-T.
Other names: c.3601del, p.Gln1201fs (NM_001395684.1, NM_001395692.1, NM_001395693.1 and 12 more transcripts); c.3319del, p.Gln1107fs (NM_001395686.1); c.3196del, p.Gln1066fs (NM_001395687.1, NM_001395688.1, NM_001395689.1 and 2 more transcripts); c.3034del, p.Gln1012fs (NM_001395691.1); c.1918del, p.Gln640fs (NM_001395697.1); short protein forms Q1012fs, Q1066fs, Q1107fs, Q1201fs, Q640fs.
Identifiers: ClinVar variation 4869801 (VCV004869801.1).